The following is an entry in ClinVar:

ClinVar aggregate classification (germline): Uncertain significance (0 of 4 stars; one submission).

Conditions:
DYNC2H1-related disorder. Also called: DYNC2H1-related condition; DYNC2H1-related disorders. Identifiers: MedGen CN378770.

Submission:

PreventionGenetics, part of Exact Sciences
Classification: Uncertain significance for DYNC2H1-related condition. Last evaluated: 2024-06-07. Review status: no assertion criteria provided. Collection method: clinical testing. Allele origin: germline.
Comment: The DYNC2H1 c.1633G>T variant is predicted to result in the amino acid substitution p.Gly545Cys. To our knowledge, this variant has not been reported in the literature or in a large population database, indicating this variant is rare. At this time, the clinical significance of this variant is uncertain due to the absence of conclusive functional and genetic evidence.

NM_001377.3(DYNC2H1):c.1633G>T (p.Gly545Cys)

Gene: DYNC2H1 (dynein cytoplasmic 2 heavy chain 1; plus strand). Cytogenetic location: 11q22.3.
Variant type: single nucleotide variant.
Coding change: c.1633G>T on transcript NM_001377.3 (MANE Select); coding-DNA position 1633, G replaced by T.
Protein change: p.Gly545Cys; replaces glycine 545 with cysteine.
Molecular consequence: missense variant.
Genome position (GRCh38, 1-based): chr11:103,122,972, G>T. VCF-style: chr11-103122972-G-T. GRCh37 (hg19) VCF-style: chr11-102993701-G-T.
Other names: c.1633G>T, p.Gly545Cys (NM_001080463.2); short protein forms G545C.
Identifiers: ClinVar variation 3354926 (VCV003354926.1).